The following is an entry in ClinVar:

NM_145698.5(ACBD5):c.165_166delinsTT (p.Gln55_Ser56delinsHisCys)

Genes: ACBD5 (acyl-CoA binding domain containing 5; minus strand), LOC130003557 (ATAC-STARR-seq lymphoblastoid active region 3182; plus strand). Cytogenetic location: 10p12.1.
Variant type: Indel.
Coding change: c.165_166delinsTT on transcript NM_145698.5 (MANE Select); coding-DNA positions 165 to 166, GA replaced by TT.
Protein change: p.Gln55_Ser56delinsHisCys.
Molecular consequence: missense variant. On other transcripts: 5 prime UTR variant (7).
Genome position (GRCh38, 1-based): chr10:27,240,334-27,240,335, TC replaced by AA on the plus strand (GA replaced by TT on the coding strand, the reverse complement: ACBD5 is on the minus strand). VCF-style: chr10-27240334-TC-AA. GRCh37 (hg19) VCF-style: chr10-27529263-TC-AA.
Other names: c.60_61delinsTT, p.Gln20_Ser21delinsHisCys (NM_001042473.4, NM_001352574.2, NM_001352575.2 and 6 more transcripts); c.159_160delinsTT, p.Gln53_Ser54delinsHisCys (NM_001271512.3, NM_001352571.1, NM_001352586.1 and 1 more transcripts); c.-42_-41delinsTT (NM_001301251.2, NM_001301252.2, NM_001301253.2 and 4 more transcripts); c.186_187delinsTT, p.Gln62_Ser63delinsHisCys (NM_001352568.1, NM_001352572.1); c.165_166delinsTT, p.Gln55_Ser56delinsHisCys (NM_001352569.1, NM_001352570.1, NM_001352573.1 and 2 more transcripts).
Identifiers: ClinVar variation 1051787 (VCV001051787.10), dbSNP rs2138613106, ClinGen allele CA2499220221.

ClinVar aggregate classification (germline): Uncertain significance (1 of 4 stars; one submission).

Submission:

Labcorp Genetics (formerly Invitae), Labcorp
Classification: Uncertain significance. Last evaluated: 2020-05-20. Review status: criteria provided, single submitter. Criteria: Invitae Variant Classification Sherloc (09022015). Collection method: clinical testing. Allele origin: germline.
Comment: In summary, the available evidence is currently insufficient to determine the role of this variant in disease. Therefore, it has been classified as a Variant of Uncertain Significance. Experimental studies and prediction algorithms are not available or were not evaluated, and the functional significance of this variant is currently unknown. This variant has not been reported in the literature in individuals with ACBD5-related conditions. The frequency data for this variant in the population databases is not available, as this variant may be reported as separate entries in the ExAC database. This variant, c.165_166delinsTT, is a complex sequence change that results in the deletion of 2 and insertion of 2 amino acids in the ACBD5 protein (p.Gln55_Ser56delinsHisCys).